The following is an entry in ClinVar:

NM_000127.3(EXT1):c.1057-8T>C

Gene: EXT1 (exostosin glycosyltransferase 1; minus strand). Cytogenetic location: 8q24.11.
Variant type: single nucleotide variant.
Coding change: c.1057-8T>C on transcript NM_000127.3 (MANE Select); 8 bases into the intron before coding-DNA position 1057, T replaced by C.
Molecular consequence: intron variant.
Genome position (GRCh38, 1-based): chr8:117,835,559, A>G on the plus strand (T>C on the coding strand, the complement: EXT1 is on the minus strand). VCF-style: chr8-117835559-A-G. GRCh37 (hg19) VCF-style: chr8-118847798-A-G.
Identifiers: ClinVar variation 1932762 (VCV001932762.5), dbSNP rs1812175816, ClinGen allele CA1118344455.

ClinVar aggregate classification (germline): Uncertain significance (1 of 4 stars; one submission).

Conditions:
Multiple congenital exostosis (EXT). Also called: Hereditary multiple exostoses; Hereditary multiple exostosis; Hereditary multiple osteochondromas; MULTIPLE CARTILAGINOUS EXOSTOSES; Multiple exostoses; Multiple osteochondromas. Identifiers: Orphanet 321, MedGen C0015306, MONDO:0005508, HP:0002762.

Allele frequency attached by ClinVar (database versions not stated): TOPMed below 0.00001; gnomAD 0.00001.

Submission:

Labcorp Genetics (formerly Invitae), Labcorp
Classification: Uncertain significance for Multiple congenital exostosis. Last evaluated: 2022-05-24. Review status: criteria provided, single submitter. Criteria: Invitae Variant Classification Sherloc (09022015). Collection method: clinical testing. Allele origin: germline.
Comment: In summary, the available evidence is currently insufficient to determine the role of this variant in disease. Therefore, it has been classified as a Variant of Uncertain Significance. Algorithms developed to predict the effect of sequence changes on RNA splicing suggest that this variant may create or strengthen a splice site. This variant has not been reported in the literature in individuals affected with EXT1-related conditions. This variant is not present in population databases (gnomAD no frequency). This sequence change falls in intron 2 of the EXT1 gene. It does not directly change the encoded amino acid sequence of the EXT1 protein.